The following is an entry in ClinVar:

ClinVar aggregate classification (germline): Uncertain significance (1 of 4 stars; one submission).

Conditions:
Ehlers-Danlos syndrome, classic type, 1 (EDSCL1). Also called: EHLERS-DANLOS SYNDROME, GRAVIS TYPE; EHLERS-DANLOS SYNDROME, SEVERE CLASSIC TYPE; EDS I; Ehlers-Danlos Syndrome, Classic Type, COL5A1-Related; Ehlers-Danlos syndrome, type 1. Identifiers: MedGen C0268335, MONDO:0019567, OMIM 130000.

Allele frequency attached by ClinVar (database versions not stated): gnomAD 0.00001; TOPMed below 0.00001.
gnomAD v4.1: 1 of 1,613,850 alleles (0.000062%); highest among the groups gnomAD compares: Non-Finnish European, 0.000085%; no homozygotes.

Submission:

Labcorp Genetics (formerly Invitae), Labcorp
Classification: Uncertain significance for Ehlers-Danlos syndrome, classic type, 1. Last evaluated: 2017-07-01. Review status: criteria provided, single submitter. Criteria: Invitae Variant Classification Sherloc (09022015). Collection method: clinical testing. Allele origin: germline.
Comment: This variant is not present in population databases (ExAC no frequency). This sequence change replaces proline with serine at codon 442 of the COL5A2 protein (p.Pro442Ser). The proline residue is highly conserved and there is a moderate physicochemical difference between proline and serine. This variant has not been reported in the literature in individuals with COL5A2-related disease. In summary, the available evidence is currently insufficient to determine the role of this variant in disease. Therefore, it has been classified as a Variant of Uncertain Significance. Algorithms developed to predict the effect of missense changes on protein structure and function (SIFT, PolyPhen-2, Align-GVGD) all suggest that this variant is likely to be disruptive, but these predictions have not been confirmed by published functional studies and their clinical significance is uncertain.

NM_000393.5(COL5A2):c.1324C>T (p.Pro442Ser)

Gene: COL5A2 (collagen type V alpha 2 chain; minus strand). Cytogenetic location: 2q32.2.
Variant type: single nucleotide variant.
Coding change: c.1324C>T on transcript NM_000393.5 (MANE Select); coding-DNA position 1324, C replaced by T.
Protein change: p.Pro442Ser; replaces proline 442 with serine.
Molecular consequence: missense variant.
Genome position (GRCh38, 1-based): chr2:189,068,092, G>A on the plus strand (C>T on the coding strand, the complement: COL5A2 is on the minus strand). VCF-style: chr2-189068092-G-A. GRCh37 (hg19) VCF-style: chr2-189932818-G-A.
Other names: short protein forms P442S.
Identifiers: ClinVar variation 459726 (VCV000459726.10), dbSNP rs1008978987, ClinGen allele CA62556414.